The following is an entry in ClinVar:

ClinVar aggregate classification (germline): Uncertain significance (1 of 4 stars; one submission).

Conditions:
Nemaline myopathy 6 (NEM6). Also called: Nemaline myopathy 6, autosomal dominant. Identifiers: Orphanet 171439, MedGen C1836472, MONDO:0012237, OMIM 609273.

Allele frequency attached by ClinVar (database versions not stated): TOPMed below 0.00001; gnomAD 0.00001; gnomAD exomes 0.00002.
gnomAD v4.1: 31 of 1,565,630 alleles (0.002%); highest among the groups gnomAD compares: Non-Finnish European, 0.0027%; no homozygotes.

Submission:

Labcorp Genetics (formerly Invitae), Labcorp
Classification: Uncertain significance for Nemaline myopathy 6. Last evaluated: 2022-05-04. Review status: criteria provided, single submitter. Criteria: Invitae Variant Classification Sherloc (09022015). Collection method: clinical testing. Allele origin: germline.
Comment: In summary, the available evidence is currently insufficient to determine the role of this variant in disease. Therefore, it has been classified as a Variant of Uncertain Significance. Algorithms developed to predict the effect of missense changes on protein structure and function (SIFT, PolyPhen-2, Align-GVGD) all suggest that this variant is likely to be tolerated. This variant has not been reported in the literature in individuals affected with KBTBD13-related conditions. The frequency data for this variant in the population databases is considered unreliable, as metrics indicate poor data quality at this position in the gnomAD database. This sequence change replaces histidine, which is basic and polar, with arginine, which is basic and polar, at codon 28 of the KBTBD13 protein (p.His28Arg).

NM_001101362.3(KBTBD13):c.83A>G (p.His28Arg)

Gene: KBTBD13 (kelch repeat and BTB domain containing 13; plus strand). Cytogenetic location: 15q22.31.
Variant type: single nucleotide variant.
Coding change: c.83A>G on transcript NM_001101362.3 (MANE Select); coding-DNA position 83, A replaced by G.
Protein change: p.His28Arg; replaces histidine 28 with arginine.
Molecular consequence: missense variant.
Genome position (GRCh38, 1-based): chr15:65,076,898, A>G. VCF-style: chr15-65076898-A-G. GRCh37 (hg19) VCF-style: chr15-65369236-A-G.
Other names: short protein forms H28R.
Identifiers: ClinVar variation 2026544 (VCV002026544.4), dbSNP rs1403382995, ClinGen allele CA392856158.
Genomic context (GRCh38, chr15:65,076,898, plus strand): 5'-TGGTGCAGGTGTGGGTGGGCGGCCAGCTCTTCCAAGCCGACCGCGCCCTGCTGGTGGAGC[A>G]CTGTGGCTTCTTCCGAGGCCTCTTCCGCTCCGGCATGCGGGAGACCCGCGCAGCAGAGGT-3'
Protein context (NP_001094832.1, residues 18-38): FQADRALLVE[His28Arg]CGFFRGLFRS